The following is an entry in ClinVar:

NM_000051.4(ATM):c.2023C>T (p.Gln675Ter)

Gene: ATM (ATM serine/threonine kinase; plus strand). Cytogenetic location: 11q22.3.
Variant type: single nucleotide variant.
Coding change: c.2023C>T on transcript NM_000051.4 (MANE Select); coding-DNA position 2023, C replaced by T.
Protein change: p.Gln675Ter; replaces glutamine 675 with a stop codon.
Molecular consequence: nonsense.
Genome position (GRCh38, 1-based): chr11:108,253,938, C>T. VCF-style: chr11-108253938-C-T. GRCh37 (hg19) VCF-style: chr11-108124665-C-T.
Other names: c.2023C>T, p.Gln675Ter (NM_001351834.2); short protein forms Q675*.
Identifiers: ClinVar variation 231933 (VCV000231933.26), dbSNP rs777849257, ClinGen allele CA6264916.

ClinVar aggregate classification (germline): Pathogenic/Likely pathogenic. Review status: criteria provided, multiple submitters, no conflicts (2 of 4 stars). 10 submissions from 10 submitters: Pathogenic (7); Likely pathogenic (1). 2 of the submissions do not count toward it. Last evaluated 2026-02-02.

Conditions:
Malignant tumor of urinary bladder. Also called: Bladder cancer; Urinary bladder cancer; Urinary Bladder Neoplasms. Identifiers: MedGen C0005684, MONDO:0001187, OMIM 109800.
Hereditary cancer-predisposing syndrome. Also called: Hereditary Cancer Syndrome; Neoplastic Syndromes, Hereditary; Tumor predisposition; Hereditary neoplastic syndrome. Identifiers: Orphanet 140162, MedGen C0027672, MeSH D009386, MONDO:0015356.
Familial cancer of breast. Also called: Hereditary breast cancer; hereditary breast carcinoma; BREAST CANCER, FAMILIAL. Identifiers: Orphanet 227535, MedGen C0346153, MONDO:0016419, OMIM 114480. Disease mechanism: loss of function.
Ataxia-telangiectasia syndrome (AT). Also called: Ataxia telangiectasia (A-T); Ataxia-telangiectasia, complementation group E; LOUIS-BAR SYNDROME; Cerebello-oculocutaneous telangiectasia; Immunodeficiency with ataxia telangiectasia; Ataxia-telangiectasia, complementation group D. Identifiers: Orphanet 100, MedGen C0004135, MONDO:0008840, OMIM 208900.

Allele frequency attached by ClinVar (database versions not stated): TOPMed below 0.00001; gnomAD 0.00001; gnomAD exomes 0.00001; ExAC 0.00002.
gnomAD v4.1: 4 of 1,613,882 alleles (0.00025%); highest among the groups gnomAD compares: African/African-American, 0.0013%; no homozygotes.

Submissions (10):

Labcorp Genetics (formerly Invitae), Labcorp
Classification: Pathogenic for Ataxia-telangiectasia syndrome. Last evaluated: 2026-02-02. Review status: criteria provided, single submitter. Criteria: Invitae Variant Classification Sherloc (09022015). Collection method: clinical testing. Allele origin: germline.
Comment: This sequence change creates a premature translational stop signal (p.Gln675*) in the ATM gene. It is expected to result in an absent or disrupted protein product. Loss-of-function variants in ATM are known to be pathogenic (PMID: 23807571, 25614872). This variant is present in population databases (rs777849257, gnomAD 0.003%). This premature translational stop signal has been observed in individual(s) with prostate or pancreatic cancer (PMID: 29922827, 32832836). ClinVar contains an entry for this variant (Variation ID: 231933). RNA analysis performed to evaluate the impact of this premature translational stop signal on mRNA splicing indicates it does not significantly alter splicing (internal data). For these reasons, this variant has been classified as Pathogenic.

Natera, Inc.
Classification: Likely pathogenic for Ataxia-telangiectasia. Last evaluated: 2025-03-11. Review status: criteria provided, single submitter. Criteria: Natera Variant Classification Schema (03/2026). Collection method: clinical testing. Allele origin: germline.
Comment: The c.2023C>T variant in ATM is a nonsense variant predicted to introduce a stop codon at amino acid 675. This variant is expected to result in nonsense mediated decay, truncation, or a dysfunctional protein product. This variant is rare in the general population with a frequency below the threshold expected for the associated phenotype(s). Given the available evidence, this variant is classified as Likely Pathogenic.

Quest Diagnostics Nichols Institute San Juan Capistrano
Classification: Pathogenic. Last evaluated: 2024-06-12. Review status: criteria provided, single submitter. Criteria: Quest Diagnostics criteria. Collection method: clinical testing. Allele origin: unknown.
Comment: The ATM c.2023C>T (p.Gln675*) variant causes the premature termination of ATM protein synthesis. This variant has been reported in the published literature in individuals with breast (PMID: 32427313 (2020)), prostate (PMIDs: 32832836 (2020) and 36446039 (2022)), and pancreatic cancers (PMID: 29922827 (2018)). In a large scale breast cancer association study, this variant was reported in an individual with breast cancer (PMID: 33471991 (2021), see also LOVD). Based on the available information, this variant is classified as pathogenic.

Ambry Genetics
Classification: Pathogenic for Hereditary cancer-predisposing syndrome. Last evaluated: 2024-06-11. Review status: criteria provided, single submitter. Criteria: Ambry Variant Classification Scheme 2023. Collection method: clinical testing. Allele origin: germline.
Comment: The p.Q675* pathogenic mutation (also known as c.2023C>T), located in coding exon 12 of the ATM gene, results from a C to T substitution at nucleotide position 2023. This changes the amino acid from a glutamine to a stop codon within coding exon 12. This variant is considered to be rare based on population cohorts in the Genome Aggregation Database (gnomAD). This alteration is expected to result in loss of function by premature protein truncation or nonsense-mediated mRNA decay. As such, this alteration is interpreted as a disease-causing mutation.

GeneDx
Classification: Pathogenic. Last evaluated: 2024-04-16. Review status: criteria provided, single submitter. Criteria: GeneDx Variant Classification Process June 2021. Collection method: clinical testing. Allele origin: germline. Affected: yes.
Comment: Nonsense variant predicted to result in protein truncation or nonsense mediated decay in a gene for which loss of function is a known mechanism of disease; Observed in individuals with breast or prostate cancer (PMID: 36446039, 32832836, 29922827); Not observed at significant frequency in large population cohorts (gnomAD); Truncating variants in this gene are considered pathogenic by a well-established clinical consortium and/or database; This variant is associated with the following publications: (PMID: 36446039, 32832836, 29922827, 32427313)

Baylor Genetics
Classification: Pathogenic for Familial cancer of breast. Last evaluated: 2024-03-05. Review status: criteria provided, single submitter. Criteria: ACMG Guidelines, 2015. Collection method: clinical testing. Allele origin: unknown. Study: CSER-TexasKidsCanSeq.

Myriad Genetics, Inc.
Classification: Pathogenic for Familial cancer of breast. Last evaluated: 2024-01-17. Review status: criteria provided, single submitter. Criteria: Myriad Autosomal Dominant, Autosomal Recessive and X-Linked Classification Criteria (2023). Collection method: clinical testing. Allele origin: unknown.
Comment: This variant is considered pathogenic. This variant creates a termination codon and is predicted to result in premature protein truncation.

Institute of Medical Genetics and Applied Genomics, University Hospital Tübingen
Classification: Pathogenic. Last evaluated: 2020-10-23. Review status: criteria provided, single submitter. Criteria: ACMG Guidelines, 2015. Collection method: clinical testing. Allele origin: germline. Inheritance: Unknown mechanism. Affected: yes.

Counsyl
Classification: Likely pathogenic for Ataxia-telangiectasia syndrome. Last evaluated: 2016-11-01. Review status: no assertion criteria provided. Collection method: clinical testing. Allele origin: unknown. Not counted in ClinVar's aggregate classification.

Laboratory of Urology, Hospital Clinic de Barcelona
Classification: Pathogenic for Malignant tumor of urinary bladder. Review status: no assertion criteria provided. Collection method: research. Allele origin: somatic. Affected: yes. Not counted in ClinVar's aggregate classification.

Literature cited by the submitters: PubMed 23807571 (cited by Labcorp Genetics (formerly Invitae), Labcorp); PubMed 25614872 (cited by Labcorp Genetics (formerly Invitae), Labcorp); PubMed 29922827 (cited by Labcorp Genetics (formerly Invitae), Labcorp and Quest Diagnostics Nichols Institute San Juan Capistrano); PubMed 32832836 (cited by Labcorp Genetics (formerly Invitae), Labcorp and Quest Diagnostics Nichols Institute San Juan Capistrano); PubMed 32427313 (cited by Quest Diagnostics Nichols Institute San Juan Capistrano); PubMed 36446039 (cited by Quest Diagnostics Nichols Institute San Juan Capistrano); PubMed 33471991 (cited by Quest Diagnostics Nichols Institute San Juan Capistrano).